The following is an entry in ClinVar:

ClinVar aggregate classification (germline): Uncertain significance. Review status: criteria provided, multiple submitters, no conflicts (2 of 4 stars). 2 submissions from 2 submitters: Uncertain significance (2). Last evaluated 2024-07-31.

Allele frequency attached by ClinVar (database versions not stated): gnomAD exomes 0.00002; ExAC 0.00012; gnomAD 0.00030; TOPMed 0.00033; ESP Exome Variant Server 0.00034.
gnomAD v4.1: 79 of 1,609,476 alleles (0.0049%); highest among the groups gnomAD compares: African/African-American, 0.095%; 1 homozygote.

Submissions (2):

Ambry Genetics
Classification: Uncertain significance. Last evaluated: 2024-07-31. Review status: criteria provided, single submitter. Criteria: Ambry Variant Classification Scheme 2023. Collection method: clinical testing. Allele origin: germline.

Labcorp Genetics (formerly Invitae), Labcorp
Classification: Uncertain significance. Last evaluated: 2022-09-28. Review status: criteria provided, single submitter. Criteria: Invitae Variant Classification Sherloc (09022015). Collection method: clinical testing. Allele origin: germline.
Comment: This sequence change replaces proline, which is neutral and non-polar, with leucine, which is neutral and non-polar, at codon 418 of the EXOC6B protein (p.Pro418Leu). This variant is present in population databases (rs370058154, gnomAD 0.1%), and has an allele count higher than expected for a pathogenic variant. This variant has not been reported in the literature in individuals affected with EXOC6B-related conditions. Experimental studies and prediction algorithms are not available or were not evaluated, and the functional significance of this variant is currently unknown. In summary, the available evidence is currently insufficient to determine the role of this variant in disease. Therefore, it has been classified as a Variant of Uncertain Significance.

NM_015189.3(EXOC6B):c.1253C>T (p.Pro418Leu)

Gene: EXOC6B (exocyst complex component 6B; minus strand). Cytogenetic location: 2p13.2.
Variant type: single nucleotide variant.
Coding change: c.1253C>T on transcript NM_015189.3 (MANE Select); coding-DNA position 1253, C replaced by T.
Protein change: p.Pro418Leu; replaces proline 418 with leucine.
Molecular consequence: missense variant. On other transcripts: non-coding transcript variant (2).
Genome position (GRCh38, 1-based): chr2:72,498,538, G>A on the plus strand (C>T on the coding strand, the complement: EXOC6B is on the minus strand). VCF-style: chr2-72498538-G-A. GRCh37 (hg19) VCF-style: chr2-72725667-G-A.
Other names: c.1253C>T, p.Pro418Leu (NM_001321729.2, NM_001321730.2, NM_001321731.2 and 1 more transcripts); c.914C>T, p.Pro305Leu (NM_001321734.2); c.1253C>T (NM_015189.1); short protein forms P418L, P305L.
Identifiers: ClinVar variation 2113666 (VCV002113666.2), dbSNP rs370058154, ClinGen allele CA1708498.